The following is an entry in ClinVar:

NM_052844.4(DYNC2I2):c.37G>C (p.Ala13Pro)

Gene: DYNC2I2 (dynein 2 intermediate chain 2; minus strand). Cytogenetic location: 9q34.11.
Variant type: single nucleotide variant.
Coding change: c.37G>C on transcript NM_052844.4 (MANE Select); coding-DNA position 37, G replaced by C.
Protein change: p.Ala13Pro; replaces alanine 13 with proline.
Molecular consequence: missense variant.
Genome position (GRCh38, 1-based): chr9:128,656,690, C>G on the plus strand (G>C on the coding strand, the complement: DYNC2I2 is on the minus strand). VCF-style: chr9-128656690-C-G. GRCh37 (hg19) VCF-style: chr9-131418969-C-G.
Other names: short protein forms A13P.
Identifiers: ClinVar variation 1681271 (VCV001681271.6), dbSNP rs1235612644, ClinGen allele CA375051743.
Genomic context (GRCh38, chr9:128,656,690, plus strand): 5'-CCGGCCCCGGGCCGCTCGCAACCCCGACTGTCGCCAGCGCCGCAACACCAGCGCTTCCCG[C>G]CTGGCTGAGTGGCCCCGGCTGCGCGCGGGTTGCCATGGAGACGGTTCCGCCCTCTCGTGC-3'
Protein context (NP_443076.2, residues 3-23): TRAQPGPLSQ[Ala13Pro]GSAGVAALAT

ClinVar aggregate classification (germline): Uncertain significance (1 of 4 stars; one submission).

Conditions:
Short-rib thoracic dysplasia 11 with or without polydactyly (SRTD11). Also called: SHORT-RIB THORACIC DYSPLASIA 11 WITHOUT POLYDACTYLY. Identifiers: Orphanet 474, Orphanet 93271, MedGen C3810200, MONDO:0014287, OMIM 615633.

Submission:

Labcorp Genetics (formerly Invitae), Labcorp
Classification: Uncertain significance for Short-rib thoracic dysplasia 11 with or without polydactyly. Last evaluated: 2022-06-27. Review status: criteria provided, single submitter. Criteria: Invitae Variant Classification Sherloc (09022015). Collection method: clinical testing. Allele origin: germline.
Comment: This sequence change replaces alanine, which is neutral and non-polar, with proline, which is neutral and non-polar, at codon 13 of the WDR34 protein (p.Ala13Pro). This variant is not present in population databases (gnomAD no frequency). This variant has not been reported in the literature in individuals affected with WDR34-related conditions. Algorithms developed to predict the effect of missense changes on protein structure and function (SIFT, PolyPhen-2, Align-GVGD) all suggest that this variant is likely to be tolerated. In summary, the available evidence is currently insufficient to determine the role of this variant in disease. Therefore, it has been classified as a Variant of Uncertain Significance.